The following is an entry in ClinVar:

ClinVar aggregate classification (germline): Conflicting classifications of pathogenicity. Review status: criteria provided, conflicting classifications (1 of 4 stars). 5 submissions from 5 submitters: Likely pathogenic (1); Uncertain significance (3). 1 of the submissions does not count toward it. Last evaluated 2025-12-05.

Conditions:
Hereditary cancer-predisposing syndrome. Also called: Neoplastic Syndromes, Hereditary; Hereditary Cancer Syndrome; Tumor predisposition; Hereditary neoplastic syndrome. Identifiers: Orphanet 140162, MedGen C0027672, MeSH D009386, MONDO:0015356.
Ataxia-telangiectasia syndrome (AT). Also called: LOUIS-BAR SYNDROME; Cerebello-oculocutaneous telangiectasia; Immunodeficiency with ataxia telangiectasia; Ataxia-telangiectasia, complementation group D; AT, COMPLEMENTATION GROUP C; Ataxia-telangiectasia, complementation group E. Identifiers: Orphanet 100, MedGen C0004135, MONDO:0008840, OMIM 208900.

Allele frequency attached by ClinVar (database versions not stated): gnomAD exomes below 0.00001.
gnomAD v4.1: 2 of 1,610,066 alleles (0.00012%); highest among the groups gnomAD compares: Non-Finnish European, 0.000085%; no homozygotes.

Submissions (5):

Labcorp Genetics (formerly Invitae), Labcorp
Classification: Uncertain significance for Ataxia-telangiectasia syndrome. Last evaluated: 2025-12-05. Review status: criteria provided, single submitter. Criteria: Invitae Variant Classification Sherloc (09022015). Collection method: clinical testing. Allele origin: germline.
Comment: This sequence change falls in intron 42 of the ATM gene. It does not directly change the encoded amino acid sequence of the ATM protein. RNA analysis indicates that this variant induces altered splicing and may result in an absent or altered protein product. This variant is not present in population databases (gnomAD no frequency). This variant has not been reported in the literature in individuals affected with ATM-related conditions. ClinVar contains an entry for this variant (Variation ID: 407606). Studies have shown that this variant results in activation of cryptic splice sites, and produces a non-functional protein and/or introduces a premature termination codon (internal data). In summary, the available evidence is currently insufficient to determine the role of this variant in disease. Therefore, it has been classified as a Variant of Uncertain Significance.

Laboratory of Genetics, Children's Clinical University Hospital Latvia
Classification: Uncertain significance. Last evaluated: 2025-02-16. Review status: criteria provided, single submitter. Criteria: ACMG Guidelines, 2015. Collection method: clinical testing. Allele origin: germline. Affected: yes.

Molecular Diagnostics Laboratory, Catalan Institute of Oncology
Classification: Likely pathogenic for Hereditary cancer-predisposing syndrome. Last evaluated: 2024-09-26. Review status: criteria provided, single submitter. Criteria: ClinGen ACMG Specifications ATM V1.1.0. Collection method: clinical testing. Allele origin: germline.
Comment: PVS1 (RNA), PM2_Supporting c.6199-7T>A is an intronic variant located close to a canonical splice site. It is not present in the population database gnomAD v2.1.1, non cancer dataset (PM2_supporting). The SpliceAI algorithm predicts that the variant impairs the splicing acceptor site of intron 42 (delta score = 0.49, alternative score = 0.49), the creation of a novel splice acceptor site 2 bp downstream (delta score = 0.61, alternative score = 0.61), and the strengthening of an alternative acceptor site 54 bp downstream (delta score = 0.21, alternative score = 0.99). An internal RNA assay with primers annealing exons 41 and 45, in cultured lymphocytes from a carrier patient in the presence of NMD-inhibition was performed. Two aberrant transcripts were observed, a partial intron 42 retention of the last 5 intronic bp (r.6198_6199ins6199-5_6199-1), which is predicted to lead to a truncated protein (p.Ala2067Phefs*17), and also a partial skipping of 49 bp at the 5’ end of exon 43 (r.6199_6247del), also generating a translational frameshift (p.Ala2067Aspfs*13). These results are in line with the splicing predictions. None of these transcripts was detected in controls (unpublished data). Both aberrant transcripts are expected to result in loss of function by premature protein truncation and nonsense-mediated mRNA decay. The peak proportions of the electropherograms from the Sanger sequencing indicate that the variant allele produces no detectable full-length transcript (PVS1 (RNA)). This variant has been reported in the ClinVar database (3x uncertain significance). Based on currently available information and according to ClinGen ATM-specific guidelines version 1.3.0, c.6199-7T>A is classified as a likely pathogenic variant.

Ambry Genetics
Classification: Uncertain significance for Hereditary cancer-predisposing syndrome. Last evaluated: 2022-10-19. Review status: criteria provided, single submitter. Criteria: Ambry Variant Classification Scheme 2023. Collection method: clinical testing. Allele origin: germline.
Comment: The c.6199-7T>A intronic alteration consists of a T to A substitution 7 nucleotides before coding exon 42 in the ATM gene. Based on insufficient or conflicting evidence, the clinical significance of this alteration remains unclear.

Natera, Inc.
Classification: Uncertain significance for Ataxia-telangiectasia. Last evaluated: 2020-03-18. Review status: no assertion criteria provided. Collection method: clinical testing. Allele origin: germline. Not counted in ClinVar's aggregate classification.

NM_000051.4(ATM):c.6199-7T>A

Genes: ATM (ATM serine/threonine kinase; plus strand), C11orf65 (chromosome 11 open reading frame 65; minus strand). Cytogenetic location: 11q22.3.
Variant type: single nucleotide variant.
Coding change: c.6199-7T>A on transcript NM_000051.4 (MANE Select); 7 bases into the intron before coding-DNA position 6199, T replaced by A.
Molecular consequence: intron variant.
Genome position (GRCh38, 1-based): chr11:108,317,366, T>A. VCF-style: chr11-108317366-T-A. GRCh37 (hg19) VCF-style: chr11-108188093-T-A.
Other names: c.6199-7T>A (NM_001351834.2); c.641-8295A>T (NM_001330368.2); c.*39-8295A>T (NM_001351110.2).
Identifiers: ClinVar variation 407606 (VCV000407606.24), dbSNP rs1060501631, ClinGen allele CA16613404.